The following is an entry in ClinVar:

ClinVar aggregate classification (germline): Uncertain significance (1 of 4 stars; one submission).

Conditions:
Inborn genetic diseases. Identifiers: MedGen C0950123, MeSH D030342.

Submission:

Ambry Genetics
Classification: Uncertain significance for Inborn genetic diseases. Last evaluated: 2026-05-21. Review status: criteria provided, single submitter. Criteria: Ambry Variant Classification Scheme 2023. Collection method: clinical testing. Allele origin: germline.
Comment: The c.409-2A>T intronic variant consists of a A to T substitution two nucleotides before exon 3 (coding exons 3) of the DLG3 gene. Variants that disrupt the canonical splice site are expected to result in aberrant splicing. The resulting transcript is predicted to be in-frame and is not expected to trigger nonsense-mediated mRNA decay, although direct evidence is unavailable. This variant was not reported in population-based cohorts in the Genome Aggregation Database (gnomAD). This nucleotide position is highly conserved in available vertebrate species. In silico splice site analysis predicts that this alteration will weaken the native splice acceptor site and will result in the creation or strengthening of a novel splice acceptor site. Based on insufficient or conflicting evidence, the clinical significance of this alteration remains unclear.

NM_021120.4(DLG3):c.409-2A>T

Gene: DLG3 (discs large MAGUK scaffold protein 3; plus strand). Cytogenetic location: Xq13.1.
Variant type: single nucleotide variant.
Coding change: c.409-2A>T on transcript NM_021120.4 (MANE Select); the canonical splice acceptor site of the intron before coding-DNA position 409, A replaced by T.
Molecular consequence: splice acceptor variant.
Genome position (GRCh38, 1-based): chrX:70,449,357, A>T. VCF-style: chrX-70449357-A-T. GRCh37 (hg19) VCF-style: chrX-69669207-A-T.
Identifiers: ClinVar variation 4869825 (VCV004869825.1).